The following is an entry in ClinVar:

NM_004006.3(DMD):c.703C>T (p.Leu235Phe)

Gene: DMD (dystrophin; minus strand). Cytogenetic location: Xp21.1.
Variant type: single nucleotide variant.
Coding change: c.703C>T on transcript NM_004006.3 (MANE Select); coding-DNA position 703, C replaced by T.
Protein change: p.Leu235Phe; replaces leucine 235 with phenylalanine.
Molecular consequence: missense variant.
Genome position (GRCh38, 1-based): chrX:32,699,240, G>A on the plus strand (C>T on the coding strand, the complement: DMD is on the minus strand). VCF-style: chrX-32699240-G-A. GRCh37 (hg19) VCF-style: chrX-32717357-G-A.
Other names: c.679C>T, p.Leu227Phe (NM_000109.4); c.691C>T, p.Leu231Phe (NM_004009.3); c.334C>T, p.Leu112Phe (NM_004010.3); short protein forms L227F, L112F, L231F, L235F.
Identifiers: ClinVar variation 3680778 (VCV003680778.2).
Genomic context (GRCh38, chrX:32,699,240, plus strand): 5'-GCAACATTTCCACTTCCTGGATGGCTTCAATGCTCACTTGTTGAGGCAAAACTTGGAAGA[G>A]TGATGTGATGTACATTAAGATGGACTTCTTATCTGGATAGGTGGTATCAACATCTGTAAG-3'
Protein context (NP_003997.2, residues 225-245): KKSILMYITS[Leu235Phe]FQVLPQQVSI

ClinVar aggregate classification (germline): Uncertain significance (1 of 4 stars; one submission).

Conditions:
Duchenne muscular dystrophy (DMD). Also called: MUSCULAR DYSTROPHY, PSEUDOHYPERTROPHIC PROGRESSIVE, DUCHENNE TYPE; Duchenne Muscular Dystrophy (DMD). Identifiers: Orphanet 98896, MedGen C0013264, MONDO:0010679, OMIM 310200.

Submission:

Labcorp Genetics (formerly Invitae), Labcorp
Classification: Uncertain significance for Duchenne muscular dystrophy. Last evaluated: 2024-07-16. Review status: criteria provided, single submitter. Criteria: Invitae Variant Classification Sherloc (09022015). Collection method: clinical testing. Allele origin: germline.
Comment: This sequence change replaces leucine, which is neutral and non-polar, with phenylalanine, which is neutral and non-polar, at codon 235 of the DMD protein (p.Leu235Phe). This variant is not present in population databases (gnomAD no frequency). This variant has not been reported in the literature in individuals affected with DMD-related conditions. Advanced modeling of protein sequence and biophysical properties (such as structural, functional, and spatial information, amino acid conservation, physicochemical variation, residue mobility, and thermodynamic stability) performed at Invitae indicates that this missense variant is not expected to disrupt DMD protein function with a negative predictive value of 95%. In summary, the available evidence is currently insufficient to determine the role of this variant in disease. Therefore, it has been classified as a Variant of Uncertain Significance.